The following is an entry in ClinVar:

NM_030665.4(RAI1):c.5432C>G (p.Ala1811Gly)

Gene: RAI1 (retinoic acid induced 1; plus strand). Cytogenetic location: 17p11.2.
Variant type: single nucleotide variant.
Coding change: c.5432C>G on transcript NM_030665.4 (MANE Select); coding-DNA position 5432, C replaced by G.
Protein change: p.Ala1811Gly; replaces alanine 1811 with glycine.
Molecular consequence: missense variant.
Genome position (GRCh38, 1-based): chr17:17,798,380, C>G. VCF-style: chr17-17798380-C-G. GRCh37 (hg19) VCF-style: chr17-17701694-C-G.
Other names: c.5432C>G (NM_030665.3); short protein forms A1811G.
Identifiers: ClinVar variation 1601129 (VCV001601129.10), dbSNP rs1484029703, ClinGen allele CA398559163.
Genomic context (GRCh38, chr17:17,798,380, plus strand): 5'-ATGGGGGCGAGGAGGCAGCCCCAGCCGACAAGGGTCGCAAACATGAGTGCAGCAAGGAGG[C>G]TCCGGCAGAGCCCGGCGGGGAGGCCCAGGAGCACTGGGTGCATGAGGCCTGTGCCGTGTG-3'
Protein context (NP_109590.3, residues 1801-1821): KGRKHECSKE[Ala1811Gly]PAEPGGEAQE

ClinVar aggregate classification (germline): Benign. Review status: criteria provided, single submitter (1 of 4 stars). 2 submissions from 2 submitters: Benign (1). 1 of the submissions does not count toward it. Last evaluated 2025-01-29.

Conditions:
RAI1-related disorder. Also called: RAI1-related condition.

Allele frequency attached by ClinVar (database versions not stated): gnomAD exomes below 0.00001; gnomAD 0.00001; TOPMed 0.00001.
gnomAD v4.1: 3 of 1,609,588 alleles (0.00019%); highest among the groups gnomAD compares: Non-Finnish European, 0.00025%; no homozygotes.

Submissions (2):

Labcorp Genetics (formerly Invitae), Labcorp
Classification: Benign. Last evaluated: 2025-01-29. Review status: criteria provided, single submitter. Criteria: Invitae Variant Classification Sherloc (09022015). Collection method: clinical testing. Allele origin: germline.

PreventionGenetics, part of Exact Sciences
Classification: Uncertain significance for RAI1-related condition. Last evaluated: 2023-11-16. Review status: no assertion criteria provided. Collection method: clinical testing. Allele origin: germline. Not counted in ClinVar's aggregate classification.
Comment: The RAI1 c.5432C>G variant is predicted to result in the amino acid substitution p.Ala1811Gly. To our knowledge, this variant has not been reported in the literature or in a large population database, indicating this variant is rare. At this time, the clinical significance of this variant is uncertain due to the absence of conclusive functional and genetic evidence.